The following is an entry in ClinVar:

NM_006245.4(PPP2R5D):c.1064G>C (p.Ser355Thr)

Gene: PPP2R5D (protein phosphatase 2 regulatory subunit B'delta; plus strand). Cytogenetic location: 6p21.1.
Variant type: single nucleotide variant.
Coding change: c.1064G>C on transcript NM_006245.4 (MANE Select); coding-DNA position 1064, G replaced by C.
Protein change: p.Ser355Thr; replaces serine 355 with threonine.
Molecular consequence: missense variant.
Genome position (GRCh38, 1-based): chr6:43,008,730, G>C. VCF-style: chr6-43008730-G-C. GRCh37 (hg19) VCF-style: chr6-42976468-G-C.
Other names: c.611G>C, p.Ser204Thr (NM_001270476.2); c.968G>C, p.Ser323Thr (NM_180976.3); c.746G>C, p.Ser249Thr (NM_180977.3); short protein forms S204T, S249T, S323T, S355T.
Identifiers: ClinVar variation 3696199 (VCV003696199.2).

ClinVar aggregate classification (germline): Uncertain significance (1 of 4 stars; one submission).

Submission:

Labcorp Genetics (formerly Invitae), Labcorp
Classification: Uncertain significance. Last evaluated: 2024-02-15. Review status: criteria provided, single submitter. Criteria: Invitae Variant Classification Sherloc (09022015). Collection method: clinical testing. Allele origin: germline.
Comment: This sequence change replaces serine, which is neutral and polar, with threonine, which is neutral and polar, at codon 355 of the PPP2R5D protein (p.Ser355Thr). This variant is not present in population databases (gnomAD no frequency). This variant has not been reported in the literature in individuals affected with PPP2R5D-related conditions. An algorithm developed to predict the effect of missense changes on protein structure and function (PolyPhen-2) suggests that this variant is likely to be tolerated. In summary, the available evidence is currently insufficient to determine the role of this variant in disease. Therefore, it has been classified as a Variant of Uncertain Significance.